The following is an entry in ClinVar:

ClinVar aggregate classification (germline): Uncertain significance. Review status: criteria provided, multiple submitters, no conflicts (2 of 4 stars). 4 submissions from 4 submitters: Uncertain significance (4). Last evaluated 2026-05-06.

Conditions:
Inborn genetic diseases. Identifiers: MedGen C0950123, MeSH D030342.

Allele frequency attached by ClinVar (database versions not stated): gnomAD exomes below 0.00001 and 0.00001; gnomAD 0.00003 and 0.00004; TOPMed 0.00005.
gnomAD v4.1: 7 of 1,613,490 alleles (0.00043%); highest among the groups gnomAD compares: African/African-American, 0.008%; no homozygotes.

Submissions (4):

GeneDx
Classification: Uncertain significance. Last evaluated: 2026-05-06. Review status: criteria provided, single submitter. Criteria: GeneDx Variant Classification Process June 2021. Collection method: clinical testing. Allele origin: germline.
Comment: In silico analysis suggests that this missense variant does not alter protein structure/function; Has not been previously published as pathogenic or benign to our knowledge

Labcorp Genetics (formerly Invitae), Labcorp
Classification: Uncertain significance. Last evaluated: 2025-12-15. Review status: criteria provided, single submitter. Criteria: Invitae Variant Classification Sherloc (09022015). Collection method: clinical testing. Allele origin: germline.
Comment: This sequence change replaces threonine, which is neutral and polar, with alanine, which is neutral and non-polar, at codon 477 of the CDH23 protein (p.Thr477Ala). This variant is present in population databases (rs766615161, gnomAD 0.02%). This variant has not been reported in the literature in individuals affected with CDH23-related conditions. ClinVar contains an entry for this variant (Variation ID: 1424052). Invitae Evidence Modeling of protein sequence and biophysical properties (such as structural, functional, and spatial information, amino acid conservation, physicochemical variation, residue mobility, and thermodynamic stability) has been performed for this missense variant. However, the output from this modeling did not meet the statistical confidence thresholds required to predict the impact of this variant on CDH23 protein function. In summary, the available evidence is currently insufficient to determine the role of this variant in disease. Therefore, it has been classified as a Variant of Uncertain Significance.

Blueprint Genetics
Classification: Uncertain significance. Last evaluated: 2022-10-05. Review status: criteria provided, single submitter. Criteria: ACMG Guidelines, 2015. Collection method: clinical testing. Allele origin: germline.

Ambry Genetics
Classification: Uncertain significance for Inborn genetic diseases. Last evaluated: 2021-09-16. Review status: criteria provided, single submitter. Criteria: Ambry Variant Classification Scheme 2023. Collection method: clinical testing. Allele origin: germline.

NM_022124.6(CDH23):c.1429A>G (p.Thr477Ala)

Gene: CDH23 (cadherin related 23; plus strand). Cytogenetic location: 10q22.1.
Variant type: single nucleotide variant.
Coding change: c.1429A>G on transcript NM_022124.6 (MANE Select); coding-DNA position 1429, A replaced by G.
Protein change: p.Thr477Ala; replaces threonine 477 with alanine.
Molecular consequence: missense variant.
Genome position (GRCh38, 1-based): chr10:71,646,597, A>G. VCF-style: chr10-71646597-A-G. GRCh37 (hg19) VCF-style: chr10-73406354-A-G.
Other names: c.1429A>G (NM_022124.5); c.1429A>G, p.Thr477Ala (NM_001171930.2, NM_001171931.2, NM_052836.4); short protein forms T477A.
Identifiers: ClinVar variation 1424052 (VCV001424052.12), dbSNP rs766615161, ClinGen allele CA5543802.